The following is an entry in ClinVar:

NM_001148.6(ANK2):c.1993C>T (p.Pro665Ser)

Gene: ANK2 (ankyrin 2; plus strand). Cytogenetic location: 4q26.
Variant type: single nucleotide variant.
Coding change: c.1993C>T on transcript NM_001148.6 (MANE Select); coding-DNA position 1993, C replaced by T.
Protein change: p.Pro665Ser; replaces proline 665 with serine.
Molecular consequence: missense variant.
Genome position (GRCh38, 1-based): chr4:113,282,786, C>T. VCF-style: chr4-113282786-C-T. GRCh37 (hg19) VCF-style: chr4-114203942-C-T.
Other names: c.1906C>T, p.Pro636Ser (NM_001386162.1, NM_001354249.2, NM_001354264.2 and 10 more transcripts); c.2044C>T, p.Pro682Ser (NM_001386174.1); c.2020C>T, p.Pro674Ser (NM_001386175.1); c.1981C>T, p.Pro661Ser (NM_001386186.2, NM_001386148.2); c.1957C>T, p.Pro653Ser (NM_001386187.2); c.1993C>T, p.Pro665Ser (NM_020977.5, NM_001354225.2, NM_001354228.2 and 6 more transcripts); c.1930C>T, p.Pro644Ser (NM_001127493.3, NM_001354239.2, NM_001354243.2 and 10 more transcripts); c.2038C>T, p.Pro680Ser (NM_001354230.2, NM_001354231.2, NM_001354237.2 and 5 more transcripts); and 8 more; short protein forms P537S, P570S, P595S, P599S, P603S, P611S, P632S, P636S.
Identifiers: ClinVar variation 1024600 (VCV001024600.6), dbSNP rs758281393, ClinGen allele CA3050417.

ClinVar aggregate classification (germline): Conflicting classifications of pathogenicity. Review status: criteria provided, conflicting classifications (1 of 4 stars). 3 submissions from 3 submitters: Uncertain significance (2); Likely benign (1). Last evaluated 2025-04-14.

Conditions:
Long QT syndrome (LQTS). Identifiers: MedGen C0023976, MeSH D008133, MONDO:0002442. Disease mechanism: loss of function. Inheritance: Various modes of inheritance.
Cardiovascular phenotype. Identifiers: MedGen CN230736.
Cardiac arrhythmia, ankyrin-B-related. Also called: ANKYRIN-B SYNDROME. Identifiers: Orphanet 101016, Orphanet 768, MedGen C1970119, MONDO:0010958, OMIM 600919.

Allele frequency attached by ClinVar (database versions not stated): gnomAD exomes 0.00004; ExAC 0.00002; TOPMed 0.00006.
gnomAD v4.1: 108 of 1,613,854 alleles (0.0067%); highest among the groups gnomAD compares: Non-Finnish European, 0.0087%; no homozygotes.

Submissions (3):

Ambry Genetics
Classification: Likely benign for Cardiovascular phenotype. Last evaluated: 2025-04-14. Review status: criteria provided, single submitter. Criteria: Ambry Variant Classification Scheme 2023. Collection method: clinical testing. Allele origin: germline.

Labcorp Genetics (formerly Invitae), Labcorp
Classification: Uncertain significance for Long QT syndrome. Last evaluated: 2022-06-25. Review status: criteria provided, single submitter. Criteria: Invitae Variant Classification Sherloc (09022015). Collection method: clinical testing. Allele origin: germline.
Comment: This sequence change replaces proline, which is neutral and non-polar, with serine, which is neutral and polar, at codon 665 of the ANK2 protein (p.Pro665Ser). This variant is present in population databases (rs758281393, gnomAD 0.009%). This variant has not been reported in the literature in individuals affected with ANK2-related conditions. ClinVar contains an entry for this variant (Variation ID: 1024600). Algorithms developed to predict the effect of missense changes on protein structure and function are either unavailable or do not agree on the potential impact of this missense change (SIFT: "Deleterious"; PolyPhen-2: "Probably Damaging"; Align-GVGD: "Class C0"). In summary, the available evidence is currently insufficient to determine the role of this variant in disease. Therefore, it has been classified as a Variant of Uncertain Significance.

Fulgent Genetics
Classification: Uncertain significance for Cardiac arrhythmia, ankyrin-B-related. Last evaluated: 2021-09-17. Review status: criteria provided, single submitter. Criteria: ACMG Guidelines, 2015. Collection method: clinical testing. Allele origin: unknown.